The following is an entry in ClinVar:

ClinVar aggregate classification (germline): Uncertain significance (1 of 4 stars; one submission).

Submission:

Labcorp Genetics (formerly Invitae), Labcorp
Classification: Uncertain significance. Last evaluated: 2025-10-19. Review status: criteria provided, single submitter. Criteria: Invitae Variant Classification Sherloc (09022015). Collection method: clinical testing. Allele origin: germline.
Comment: This sequence change replaces arginine, which is basic and polar, with threonine, which is neutral and polar, at codon 1239 of the ANKS1B protein (p.Arg1239Thr). This variant is not present in population databases (gnomAD no frequency). This variant has not been reported in the literature in individuals affected with ANKS1B-related conditions. An algorithm developed to predict the effect of missense changes on protein structure and function outputs the following: PolyPhen-2: "Benign". The threonine amino acid residue is found in multiple mammalian species, which suggests that this missense change does not adversely affect protein function. In summary, the available evidence is currently insufficient to determine the role of this variant in disease. Therefore, it has been classified as a Variant of Uncertain Significance.

NC_000012.12:g.98735591C>G

Gene: ANKS1B (ankyrin repeat and sterile alpha motif domain containing 1B; minus strand). Cytogenetic location: 12q23.1.
Variant type: single nucleotide variant.
Molecular consequence: missense variant (on NM_001204081.2).
Genome position: GRCh38 VCF-style: chr12-98735591-C-G. GRCh37 (hg19) VCF-style: chr12-99129369-C-G.
Other names: c.734G>C, p.Arg245Thr (NM_001204081.2); c.1466G>C, p.Arg489Thr (NM_001352196.2); c.1394G>C, p.Arg465Thr (NM_001352197.2); c.509G>C, p.Arg170Thr (NM_001352213.2, NM_001352214.2, NM_001352216.2); c.809G>C, p.Arg270Thr (NM_001352223.2); c.1214G>C, p.Arg405Thr (NM_020140.4); c.3716G>C, p.Arg1239Thr (NM_152788.4); short protein forms R405T, R1239T, R170T, R270T, R465T, R489T, R245T.
Identifiers: ClinVar variation 4729522 (VCV004729522.1).